The following is an entry in ClinVar:

ClinVar aggregate classification (germline): Benign. Review status: criteria provided, multiple submitters, no conflicts (2 of 4 stars). 11 submissions from 10 submitters: Benign (10). 1 of the submissions does not count toward it. Last evaluated 2026-02-04.

Conditions:
Usher syndrome type 2A. Also called: USHER SYNDROME, TYPE IIA; RETINAL DISEASE IN USHER SYNDROME TYPE IIA, MODIFIER OF. Identifiers: Orphanet 231178, Orphanet 886, MedGen C1848634, MONDO:0010169, OMIM 276901.
Retinal dystrophy. Also called: Inherited retinal dystrophy. Identifiers: Orphanet 71862, MedGen C0854723, MeSH D058499, MONDO:0019118, HP:0000556.
Retinitis pigmentosa 39 (RP39). Identifiers: Orphanet 791, MedGen C3151138, MONDO:0013436, OMIM 613809.

Allele frequency attached by ClinVar (database versions not stated): 1000 Genomes Project 0.68970; 1000 Genomes Project 30x 0.69191; gnomAD 0.74629 and 0.74921; TOPMed 0.74719; ESP Exome Variant Server 0.75442; ExAC 0.76618; gnomAD exomes 0.76685 and 0.79224.
gnomAD v4.1: 1,270,947 of 1,613,914 alleles (79%); highest among the groups gnomAD compares: Non-Finnish European, 81%; 503,136 homozygotes.

Submissions (11):

Labcorp Genetics (formerly Invitae), Labcorp
Classification: Benign. Last evaluated: 2026-02-04. Review status: criteria provided, single submitter. Criteria: Invitae Variant Classification Sherloc (09022015). Collection method: clinical testing. Allele origin: germline.

Blueprint Genetics
Classification: Benign. Last evaluated: 2024-11-26. Review status: criteria provided, single submitter. Criteria: ACMG Guidelines, 2015. Collection method: clinical testing. Allele origin: germline.

ARUP Laboratories, Molecular Genetics and Genomics, ARUP Laboratories
Classification: Benign. Last evaluated: 2023-11-29. Review status: criteria provided, single submitter. Criteria: ARUP Molecular Germline Variant Investigation Process 2024. Collection method: clinical testing. Allele origin: germline.

Genome-Nilou Lab
Classification: Benign for Retinitis pigmentosa 39. Last evaluated: 2023-11-04. Review status: criteria provided, single submitter. Criteria: ACMG Guidelines, 2015. Collection method: clinical testing. Allele origin: germline. Affected: no.

Dept Of Ophthalmology, Nagoya University
Classification: Benign for Retinal dystrophy. Last evaluated: 2023-10-01. Review status: criteria provided, single submitter. Criteria: Submitter's publication. Collection method: research. Allele origin: germline. Affected: yes.

Women's Health and Genetics/Laboratory Corporation of America, LabCorp
Classification: Benign. Last evaluated: 2023-04-10. Review status: criteria provided, single submitter. Criteria: LabCorp Variant Classification Summary - May 2015. Collection method: clinical testing. Allele origin: germline.

Genome-Nilou Lab
Classification: Benign for Usher syndrome type 2A. Last evaluated: 2021-07-01. Review status: criteria provided, single submitter. Criteria: ACMG Guidelines, 2015. Collection method: clinical testing. Allele origin: germline. Affected: no.

Eurofins Ntd Llc (ga)
Classification: Benign. Last evaluated: 2014-08-19. Review status: criteria provided, single submitter. Criteria: EGL Classification Definitions 2015. Collection method: clinical testing. Allele origin: germline. Observed: 2 variant alleles, 1 heterozygote, 1 homozygote.

Laboratory for Molecular Medicine, Mass General Brigham Personalized Medicine
Classification: Benign. Last evaluated: 2012-02-02. Review status: criteria provided, single submitter. Criteria: LMM Criteria. Collection method: clinical testing. Allele origin: germline. Observed: 1,696 variant alleles.
Comment: Inferred frequency = 273/386 (LMM data)

Breakthrough Genomics
Classification: Benign. Review status: criteria provided, single submitter. Criteria: ACMG Guidelines, 2015. Collection method: not provided. Allele origin: germline. Inheritance: Autosomal recessive inheritance. Affected: yes.

Natera, Inc.
Classification: Benign for Usher syndrome type 2A. Last evaluated: 2019-11-18. Review status: no assertion criteria provided. Collection method: clinical testing. Allele origin: germline. Not counted in ClinVar's aggregate classification.

NM_206933.4(USH2A):c.12612A>G (p.Thr4204=)

Gene: USH2A (usherin; minus strand). Cytogenetic location: 1q41.
Variant type: single nucleotide variant.
Coding change: c.12612A>G on transcript NM_206933.4 (MANE Select); coding-DNA position 12612, A replaced by G.
Protein change: p.Thr4204=; no amino-acid change (threonine 4204 retained).
Molecular consequence: synonymous variant.
Genome position (GRCh38, 1-based): chr1:215,675,299, T>C on the plus strand (A>G on the coding strand, the complement: USH2A is on the minus strand). VCF-style: chr1-215675299-T-C. GRCh37 (hg19) VCF-style: chr1-215848641-T-C.
Other names: c.12612G>G (NM_206933.2).
Identifiers: ClinVar variation 177993 (VCV000177993.44), dbSNP rs2797235, ClinGen allele CA181134.
Genomic context (GRCh38, chr1:215,675,299, plus strand): 5'-CATAAATGTATTCCTTTCAGTGTTATATTCTGTGAAAACAATTTTCTCGTCGGCCTGGAT[T>C]GTCTGATTTCCCCAAGCTTTTCCCTCGAAGCATCTGCGAATCACTTCATAGCGAATTATT-3'
Protein context (NP_996816.3, residues 4194-4214): CFEGKAWGNQ[Thr4204=]IQADEKIVFT